The following is an entry in ClinVar:

NM_145239.3(PRRT2):c.1013-62T>G

Genes: MVP-DT (MVP divergent transcript; minus strand), PRRT2 (proline rich transmembrane protein 2; plus strand). Cytogenetic location: 16p11.2.
Variant type: single nucleotide variant.
Coding change: c.1013-62T>G on transcript NM_145239.3 (MANE Select); 62 bases into the intron before coding-DNA position 1013, T replaced by G.
Molecular consequence: intron variant. On other transcripts: synonymous variant (1), 3 prime UTR variant (1).
Genome position (GRCh38, 1-based): chr16:29,814,566, T>G. VCF-style: chr16-29814566-T-G. GRCh37 (hg19) VCF-style: chr16-29825887-T-G.
Other names: c.1113T>G (NM_001256442.1); c.1113T>G, p.Pro371= (NM_001256442.2); c.*612T>G (NM_001256443.2).
Identifiers: ClinVar variation 1694792 (VCV001694792.32), dbSNP rs546982581, ClinGen allele CA7994658.

ClinVar aggregate classification (germline): Likely benign. Review status: criteria provided, single submitter (1 of 4 stars). 2 submissions from 2 submitters: Likely benign (1). 1 of the submissions does not count toward it. Last evaluated 2024-05-01.

Conditions:
PRRT2-Related Disorder. Also called: PRRT2-related disorders. Identifiers: MedGen CN381059.

Allele frequency attached by ClinVar (database versions not stated): gnomAD 0.00001 and 0.00017; TOPMed 0.00002; gnomAD exomes 0.00024 and 0.00052; ExAC 0.00057; 1000 Genomes Project 30x 0.00094; 1000 Genomes Project 0.00120.
gnomAD v4.1: 380 of 1,610,020 alleles (0.024%); highest among the groups gnomAD compares: South Asian, 0.4%; 3 homozygotes.

Submissions (2):

CeGaT Center for Human Genetics Tuebingen
Classification: Likely benign. Last evaluated: 2024-05-01. Review status: criteria provided, single submitter. Criteria: CeGaT Center For Human Genetics Tuebingen Variant Classification Criteria Version 2. Collection method: clinical testing. Allele origin: germline. Affected: yes. Observed: 2 variant alleles.
Comment: PRRT2: BP4, BP7

PreventionGenetics, part of Exact Sciences
Classification: Benign for PRRT2-related condition. Last evaluated: 2019-05-08. Review status: no assertion criteria provided. Collection method: clinical testing. Allele origin: germline. Not counted in ClinVar's aggregate classification.
Comment: This variant is classified as benign based on ACMG/AMP sequence variant interpretation guidelines (Richards et al. 2015 PMID: 25741868, with internal and published modifications).